The following is an entry in ClinVar:

NM_018180.3(DHX32):c.1177G>A (p.Gly393Ser)

Genes: BCCIP (BRCA2 and CDKN1A interacting protein; plus strand), DHX32 (DEAH-box helicase 32 (putative); minus strand). Cytogenetic location: 10q26.2.
Variant type: single nucleotide variant.
Coding change: c.1177G>A on transcript NM_018180.3 (MANE Select); coding-DNA position 1177, G replaced by A.
Protein change: p.Gly393Ser; replaces glycine 393 with serine.
Molecular consequence: missense variant. On other transcripts: intron variant (1).
Genome position (GRCh38, 1-based): chr10:125,852,558, C>T on the plus strand (G>A on the coding strand, the complement: DHX32 is on the minus strand). VCF-style: chr10-125852558-C-T. GRCh37 (hg19) VCF-style: chr10-127541127-C-T.
Other names: c.851-567C>T (NM_016567.4); short protein forms G393S.
Identifiers: ClinVar variation 3650469 (VCV003650469.2).

ClinVar aggregate classification (germline): Uncertain significance (1 of 4 stars; one submission).

Submission:

Labcorp Genetics (formerly Invitae), Labcorp
Classification: Uncertain significance. Last evaluated: 2024-04-20. Review status: criteria provided, single submitter. Criteria: Invitae Variant Classification Sherloc (09022015). Collection method: clinical testing. Allele origin: germline.
Comment: This sequence change replaces glycine, which is neutral and non-polar, with serine, which is neutral and polar, at codon 393 of the DHX32 protein (p.Gly393Ser). This variant is not present in population databases (gnomAD no frequency). This variant has not been reported in the literature in individuals affected with DHX32-related conditions. Algorithms developed to predict the effect of missense changes on protein structure and function output the following: SIFT: "Not Available"; PolyPhen-2: "Benign"; Align-GVGD: "Not Available". The serine amino acid residue is found in multiple mammalian species, which suggests that this missense change does not adversely affect protein function. In summary, the available evidence is currently insufficient to determine the role of this variant in disease. Therefore, it has been classified as a Variant of Uncertain Significance.